The following is an entry in ClinVar:

NM_015272.5(RPGRIP1L):c.1304A>G (p.Lys435Arg)

Gene: RPGRIP1L (RPGRIP1 like; minus strand). Cytogenetic location: 16q12.2.
Variant type: single nucleotide variant.
Coding change: c.1304A>G on transcript NM_015272.5 (MANE Select); coding-DNA position 1304, A replaced by G.
Protein change: p.Lys435Arg; replaces lysine 435 with arginine.
Molecular consequence: missense variant.
Genome position (GRCh38, 1-based): chr16:53,658,818, T>C on the plus strand (A>G on the coding strand, the complement: RPGRIP1L is on the minus strand). VCF-style: chr16-53658818-T-C. GRCh37 (hg19) VCF-style: chr16-53692730-T-C.
Other names: c.1304A>G, p.Lys435Arg (NM_001127897.4, NM_001308334.3, NM_001330538.2); short protein forms K435R.
Identifiers: ClinVar variation 1984801 (VCV001984801.4), dbSNP rs1567849376, ClinGen allele CA395920291.

ClinVar aggregate classification (germline): Uncertain significance (1 of 4 stars; one submission).

Conditions:
Joubert syndrome. Also called: CEREBELLOPARENCHYMAL DISORDER IV; JOUBERT-BOLTSHAUSER SYNDROME; Familial aplasia of the vermis. Identifiers: Orphanet 475, MedGen C5979921, MONDO:0018772.
Meckel-Gruber syndrome. Also called: DYSENCEPHALIA SPLANCHNOCYSTICA; GRUBER SYNDROME; Dysencephalia splachnocystica. Identifiers: Orphanet 564, MedGen C0265215, MONDO:0018921.

Allele frequency attached by ClinVar (database versions not stated): gnomAD exomes below 0.00001.
gnomAD v4.1: 2 of 1,609,452 alleles (0.00012%); highest among the groups gnomAD compares: Non-Finnish European, 0.00017%; no homozygotes.

Submission:

Labcorp Genetics (formerly Invitae), Labcorp
Classification: Uncertain significance for Joubert syndrome; Meckel-Gruber syndrome. Last evaluated: 2023-08-04. Review status: criteria provided, single submitter. Criteria: Invitae Variant Classification Sherloc (09022015). Collection method: clinical testing. Allele origin: germline.
Comment: This sequence change replaces lysine, which is basic and polar, with arginine, which is basic and polar, at codon 435 of the RPGRIP1L protein (p.Lys435Arg). This variant is not present in population databases (gnomAD no frequency). This variant has not been reported in the literature in individuals affected with RPGRIP1L-related conditions. ClinVar contains an entry for this variant (Variation ID: 1984801). Advanced modeling of protein sequence and biophysical properties (such as structural, functional, and spatial information, amino acid conservation, physicochemical variation, residue mobility, and thermodynamic stability) performed at Invitae indicates that this missense variant is not expected to disrupt RPGRIP1L protein function. In summary, the available evidence is currently insufficient to determine the role of this variant in disease. Therefore, it has been classified as a Variant of Uncertain Significance.